The following is an entry in ClinVar:

NM_001242896.3(DEPDC5):c.782A>G (p.Asn261Ser)

Gene: DEPDC5 (DEP domain containing 5, GATOR1 subcomplex subunit; plus strand). Cytogenetic location: 22q12.2.
Variant type: single nucleotide variant.
Coding change: c.782A>G on transcript NM_001242896.3 (MANE Select); coding-DNA position 782, A replaced by G.
Protein change: p.Asn261Ser; replaces asparagine 261 with serine.
Molecular consequence: missense variant. On other transcripts: non-coding transcript variant (5).
Genome position (GRCh38, 1-based): chr22:31,797,614, A>G. VCF-style: chr22-31797614-A-G. GRCh37 (hg19) VCF-style: chr22-32193600-A-G.
Other names: c.782A>G, p.Asn261Ser (NM_001007188.4, NM_001136029.4, NM_001242897.2 and 7 more transcripts); c.698A>G, p.Asn233Ser (NM_001369901.1, NM_001369902.1); short protein forms N233S, N261S.
Identifiers: ClinVar variation 3361413 (VCV003361413.1).

ClinVar aggregate classification (germline): Uncertain significance (1 of 4 stars; one submission).

Submission:

GeneDx
Classification: Uncertain significance. Last evaluated: 2023-07-27. Review status: criteria provided, single submitter. Criteria: GeneDx Variant Classification Process June 2021. Collection method: clinical testing. Allele origin: germline. Affected: yes.
Comment: Not observed at significant frequency in large population cohorts (gnomAD); In silico analysis supports that this missense variant has a deleterious effect on protein structure/function; Has not been previously published as pathogenic or benign to our knowledge